The following is an entry in ClinVar:

NM_001303052.2(MYT1L):c.2624G>A (p.Ser875Asn)

Gene: MYT1L (myelin transcription factor 1 like; minus strand). Cytogenetic location: 2p25.3.
Variant type: single nucleotide variant.
Coding change: c.2624G>A on transcript NM_001303052.2 (MANE Select); coding-DNA position 2624, G replaced by A.
Protein change: p.Ser875Asn; replaces serine 875 with asparagine.
Molecular consequence: missense variant.
Genome position (GRCh38, 1-based): chr2:1,887,506, C>T on the plus strand (G>A on the coding strand, the complement: MYT1L is on the minus strand). VCF-style: chr2-1887506-C-T. GRCh37 (hg19) VCF-style: chr2-1891278-C-T.
Other names: c.2624G>A, p.Ser875Asn (NM_001329844.2, NM_001329845.1, NM_001329851.3); c.2618G>A, p.Ser873Asn (NM_001329846.3, NM_001329847.2, NM_001329848.1 and 3 more transcripts); short protein forms S875N, S873N.
Identifiers: ClinVar variation 2407695 (VCV002407695.3), dbSNP rs1049434039, ClinGen allele CA41445017.

ClinVar aggregate classification (germline): Uncertain significance. Review status: criteria provided, multiple submitters, no conflicts (2 of 4 stars). 2 submissions from 2 submitters: Uncertain significance (2). Last evaluated 2024-09-20.

Conditions:
Intellectual developmental disorder, autosomal dominant 39. Also called: Intellectual disability, autosomal dominant 39; Mental retardation, autosomal dominant 39. Identifiers: MedGen C4225296, MONDO:0014678, OMIM 616521.
Inborn genetic diseases. Identifiers: MedGen C0950123, MeSH D030342.

Allele frequency attached by ClinVar (database versions not stated): gnomAD exomes 0.00001; gnomAD 0.00002; TOPMed 0.00003.
gnomAD v4.1: 7 of 1,613,790 alleles (0.00043%); highest among the groups gnomAD compares: Admixed American, 0.0067%; no homozygotes.

Submissions (2):

Laboratorio de Genetica e Diagnostico Molecular, Hospital Israelita Albert Einstein
Classification: Uncertain significance for Intellectual developmental disorder, autosomal dominant 39. Last evaluated: 2024-09-20. Review status: criteria provided, single submitter. Criteria: ACMG Guidelines, 2015. Collection method: clinical testing. Allele origin: germline. Affected: yes.
Comment: ACMG classification criteria: PM2 supporting, PP2 supporting, BP4 supporting

Ambry Genetics
Classification: Uncertain significance for Inborn genetic diseases. Last evaluated: 2022-05-26. Review status: criteria provided, single submitter. Criteria: Ambry Variant Classification Scheme 2023. Collection method: clinical testing. Allele origin: germline.